The following is an entry in ClinVar:

ClinVar aggregate classification (germline): Pathogenic (1 of 4 stars; one submission).

Conditions:
Chromosome 16q22 deletion syndrome. Identifiers: Orphanet 658540, MedGen C3281152, MONDO:0013798, OMIM 614541.

Submission:

Laboratory of Cytogenetics, Molecular Genetics and Reproductive Biology, Farhat Hached University Hospital
Classification: Pathogenic for Chromosome 16q22 deletion syndrome. Last evaluated: 2025-12-12. Review status: criteria provided, single submitter. Criteria: ACMG/ClinGen CNV Guidelines, 2019. Collection method: clinical testing. Allele origin: unknown. Affected: yes.
Comment: Similar genomic alterations have been previously reported in affected individuals . Based on phenotypic overlap and available literature evidence, the variant was classified as Pathogenic. The copy number variant was evaluated using ACMG/ClinGen CNV guidelines (PMID:31690835)

GRCh37/hg19 16q23.1-24.2(chr16:74718513-87891103)x1

Genes: ADAD2 (adenosine deaminase domain containing 2; plus strand), ADAD2-AS1 (ADAD2 antisense RNA 1; minus strand), ADAMTS18 (ADAM metallopeptidase with thrombospondin type 1 motif 18; minus strand), ADAT1 (adenosine deaminase tRNA specific 1; minus strand), ATMIN (ATM interactor; plus strand) and 81 more. Cytogenetic location: 16q23.1-24.2.
Variant type: copy number loss.
Change: copy number 1 (one copy instead of two) of chr16:74,718,513-87,891,103 (13.17 Mb, GRCh37 coordinates, 1-based), cytogenetic band 16q23.1-24.2.
Identifiers: ClinVar variation 4850974 (VCV004850974.1).